The following is an entry in ClinVar:

NM_005996.4(TBX3):c.1882C>T (p.Pro628Ser)

Gene: TBX3 (T-box transcription factor 3; minus strand). Cytogenetic location: 12q24.21.
Variant type: single nucleotide variant.
Coding change: c.1882C>T on transcript NM_005996.4 (MANE Select); coding-DNA position 1882, C replaced by T.
Protein change: p.Pro628Ser; replaces proline 628 with serine.
Molecular consequence: missense variant.
Genome position (GRCh38, 1-based): chr12:114,672,131, G>A on the plus strand (C>T on the coding strand, the complement: TBX3 is on the minus strand). VCF-style: chr12-114672131-G-A. GRCh37 (hg19) VCF-style: chr12-115109936-G-A.
Other names: c.1942C>T, p.Pro648Ser (NM_016569.4); short protein forms P628S, P648S.
Identifiers: ClinVar variation 3804917 (VCV003804917.2).

ClinVar aggregate classification (germline): Uncertain significance. Review status: criteria provided, multiple submitters, no conflicts (2 of 4 stars). 2 submissions from 2 submitters: Uncertain significance (2). Last evaluated 2025-06-02.

Conditions:
Ulnar-mammary syndrome (UMS). Also called: SCHINZEL SYNDROME; Ulnar-mammary syndrome of Pallister; PALLISTER ULNAR-MAMMARY SYNDROME. Identifiers: Orphanet 3138, MedGen C1866994, MONDO:0008411, OMIM 181450.
Inborn genetic diseases. Identifiers: MedGen C0950123, MeSH D030342.

Submissions (2):

Labcorp Genetics (formerly Invitae), Labcorp
Classification: Uncertain significance for Ulnar-mammary syndrome. Last evaluated: 2025-06-02. Review status: criteria provided, single submitter. Criteria: Invitae Variant Classification Sherloc (09022015). Collection method: clinical testing. Allele origin: germline.
Comment: This sequence change replaces proline, which is neutral and non-polar, with serine, which is neutral and polar, at codon 628 of the TBX3 protein (p.Pro628Ser). The frequency data for this variant in the population databases is considered unreliable, as metrics indicate poor data quality at this position in the gnomAD database. This variant has not been reported in the literature in individuals affected with TBX3-related conditions. ClinVar contains an entry for this variant (Variation ID: 3804917). An algorithm developed to predict the effect of missense changes on protein structure and function (PolyPhen-2) suggests that this variant is likely to be tolerated. In summary, the available evidence is currently insufficient to determine the role of this variant in disease. Therefore, it has been classified as a Variant of Uncertain Significance.

Ambry Genetics
Classification: Uncertain significance for Inborn genetic diseases. Last evaluated: 2025-01-14. Review status: criteria provided, single submitter. Criteria: Ambry Variant Classification Scheme 2023. Collection method: clinical testing. Allele origin: germline.